The following is an entry in ClinVar:

ClinVar aggregate classification (germline): Conflicting classifications of pathogenicity. Review status: criteria provided, conflicting classifications (1 of 4 stars). 3 submissions from 3 submitters: Likely pathogenic (2); Uncertain significance (1). Last evaluated 2025-12-28.

Conditions:
Primary ciliary dyskinesia 3. Identifiers: Orphanet 244, MedGen C1837618, MONDO:0012085, OMIM 608644.
Primary ciliary dyskinesia. Also called: Ciliary dyskinesia. Identifiers: Orphanet 244, MedGen C0008780, MONDO:0016575, HP:0012265.
DNAH5-related disorders.

Allele frequency attached by ClinVar (database versions not stated): gnomAD exomes below 0.00001 and 0.00001; TOPMed below 0.00001.
gnomAD v4.1: 4 of 1,614,108 alleles (0.00025%); highest among the groups gnomAD compares: Non-Finnish European, 0.00034%; no homozygotes.

Submissions (3):

Labcorp Genetics (formerly Invitae), Labcorp
Classification: Likely pathogenic for Primary ciliary dyskinesia. Last evaluated: 2025-12-28. Review status: criteria provided, single submitter. Criteria: Invitae Variant Classification Sherloc (09022015). Collection method: clinical testing. Allele origin: germline.
Comment: This sequence change replaces cysteine, which is neutral and slightly polar, with tyrosine, which is neutral and polar, at codon 1679 of the DNAH5 protein (p.Cys1679Tyr). This variant is present in population databases (no rsID available, gnomAD 0.002%). This missense change has been observed in individual(s) with clinical features of primary ciliary dyskinesia (internal data). ClinVar contains an entry for this variant (Variation ID: 643092). Invitae Evidence Modeling of protein sequence and biophysical properties (such as structural, functional, and spatial information, amino acid conservation, physicochemical variation, residue mobility, and thermodynamic stability) indicates that this missense variant is expected to disrupt DNAH5 protein function with a positive predictive value of 80%. In summary, the currently available evidence indicates that the variant is pathogenic, but additional data are needed to prove that conclusively. Therefore, this variant has been classified as Likely Pathogenic.

Myriad Genetics, Inc.
Classification: Uncertain significance for Primary ciliary dyskinesia 3. Last evaluated: 2025-11-12. Review status: criteria provided, single submitter. Criteria: Myriad Autosomal Dominant, Autosomal Recessive and X-Linked Classification Criteria (2023). Collection method: clinical testing. Allele origin: unknown.
Comment: NM_001369.2(DNAH5):c.5036G>A(C1679Y) is a missense variant classified as a variant of uncertain significance in the context of primary ciliary dyskinesia, DNAH5-related. C1679Y has not been observed in cases with relevant disease. Relevant functional assessments of this variant are not available in the literature. C1679Y has been observed in referenced population frequency databases. In summary, there is insufficient evidence to classify NM_001369.2(DNAH5):c.5036G>A(C1679Y) as pathogenic or benign. Please note: this variant was assessed in the context of healthy population screening.

Blueprint Genetics
Classification: Likely pathogenic for DNAH5-related disorders. Last evaluated: 2024-05-02. Review status: criteria provided, single submitter. Criteria: ACMG Guidelines, 2015. Collection method: clinical testing. Allele origin: germline. Affected: yes. Observed: 2 variant alleles.

NM_001369.3(DNAH5):c.5036G>A (p.Cys1679Tyr)

Gene: DNAH5 (dynein axonemal heavy chain 5; minus strand). Cytogenetic location: 5p15.2.
Variant type: single nucleotide variant.
Coding change: c.5036G>A on transcript NM_001369.3 (MANE Select); coding-DNA position 5036, G replaced by A.
Protein change: p.Cys1679Tyr; replaces cysteine 1679 with tyrosine.
Molecular consequence: missense variant.
Genome position (GRCh38, 1-based): chr5:13,850,730, C>T on the plus strand (G>A on the coding strand, the complement: DNAH5 is on the minus strand). VCF-style: chr5-13850730-C-T. GRCh37 (hg19) VCF-style: chr5-13850839-C-T.
Other names: short protein forms C1679Y.
Identifiers: ClinVar variation 643092 (VCV000643092.9), dbSNP rs1221785647, ClinGen allele CA359217075.